The following is an entry in ClinVar:

NM_001197104.2(KMT2A):c.9841T>A (p.Ser3281Thr)

Gene: KMT2A (lysine methyltransferase 2A; plus strand). Cytogenetic location: 11q23.3.
Variant type: single nucleotide variant.
Coding change: c.9841T>A on transcript NM_001197104.2 (MANE Select); coding-DNA position 9841, T replaced by A.
Protein change: p.Ser3281Thr; replaces serine 3281 with threonine.
Molecular consequence: missense variant.
Genome position (GRCh38, 1-based): chr11:118,505,733, T>A. VCF-style: chr11-118505733-T-A. GRCh37 (hg19) VCF-style: chr11-118376448-T-A.
Other names: c.9931T>A, p.Ser3311Thr (NM_001412597.1); c.9832T>A, p.Ser3278Thr (NM_005933.4); short protein forms S3278T, S3311T, S3281T.
Identifiers: ClinVar variation 2127386 (VCV002127386.4), dbSNP rs2497023485, ClinGen allele CA382821942.

ClinVar aggregate classification (germline): Uncertain significance (1 of 4 stars; one submission).

Submission:

Labcorp Genetics (formerly Invitae), Labcorp
Classification: Uncertain significance. Last evaluated: 2022-04-17. Review status: criteria provided, single submitter. Criteria: Invitae Variant Classification Sherloc (09022015). Collection method: clinical testing. Allele origin: germline.
Comment: This sequence change replaces serine, which is neutral and polar, with threonine, which is neutral and polar, at codon 3281 of the KMT2A protein (p.Ser3281Thr). This variant is not present in population databases (gnomAD no frequency). This variant has not been reported in the literature in individuals affected with KMT2A-related conditions. Advanced modeling of protein sequence and biophysical properties (such as structural, functional, and spatial information, amino acid conservation, physicochemical variation, residue mobility, and thermodynamic stability) performed at Invitae indicates that this missense variant is not expected to disrupt KMT2A protein function. In summary, the available evidence is currently insufficient to determine the role of this variant in disease. Therefore, it has been classified as a Variant of Uncertain Significance.